The following is an entry in ClinVar:

ClinVar aggregate classification (germline): Uncertain significance (1 of 4 stars; one submission).

Conditions:
Cardiovascular phenotype. Identifiers: MedGen CN230736.

Submission:

Ambry Genetics
Classification: Uncertain significance for Cardiovascular phenotype. Last evaluated: 2023-06-30. Review status: criteria provided, single submitter. Criteria: Ambry Variant Classification Scheme 2023. Collection method: clinical testing. Allele origin: germline.
Comment: The p.K1373T variant (also known as c.4118A>C), located in coding exon 2 of the ZNF469 gene, results from an A to C substitution at nucleotide position 4118. The lysine at codon 1373 is replaced by threonine, an amino acid with similar properties. This amino acid position is conserved. In addition, this alteration is predicted to be tolerated by in silico analysis. Since supporting evidence is limited at this time, the clinical significance of this alteration remains unclear.

NM_001367624.2(ZNF469):c.4202A>C (p.Lys1401Thr)

Gene: ZNF469 (zinc finger protein 469; plus strand). Cytogenetic location: 16q24.2.
Variant type: single nucleotide variant.
Coding change: c.4202A>C on transcript NM_001367624.2 (MANE Select); coding-DNA position 4202, A replaced by C.
Protein change: p.Lys1401Thr; replaces lysine 1401 with threonine.
Molecular consequence: missense variant.
Genome position (GRCh38, 1-based): chr16:88,431,672, A>C. VCF-style: chr16-88431672-A-C. GRCh37 (hg19) VCF-style: chr16-88498080-A-C.
Other names: NM_001127464.1:c.4118A>C; short protein forms K1401T.
Identifiers: ClinVar variation 2626115 (VCV002626115.2), dbSNP rs1906193607, ClinGen allele CA397090188.
Genomic context (GRCh38, chr16:88,431,672, plus strand): 5'-GTGAGTTGTTCCTCGGACCCAAAGACCTGGCTGGCTGTTTCCTGGAAGAACTGCACCCCA[A>C]GCCCTCAGCCAGGGATGCCCCGCCGGCCAGCAGCTCCTGCCTTTGCCAGGACGGCGAGGA-3'
Protein context (NP_001354553.1, residues 1391-1411): AGCFLEELHP[Lys1401Thr]PSARDAPPAS